The following is an entry in ClinVar:

ClinVar aggregate classification (germline): Likely benign (1 of 4 stars; one submission).

Conditions:
Peutz-Jeghers syndrome (PJS). Also called: POLYPOSIS, HAMARTOMATOUS INTESTINAL; POLYPS-AND-SPOTS SYNDROME; Peutz-Jeghers polyposis; Periorificial lentiginosis syndrome. Identifiers: Orphanet 2869, MedGen C0031269, MeSH D010580, MONDO:0008280, OMIM 175200.

Submission:

Myriad Genetics, Inc.
Classification: Likely benign for Peutz-Jeghers syndrome. Last evaluated: 2025-03-26. Review status: criteria provided, single submitter. Criteria: Myriad Autosomal Dominant, Autosomal Recessive and X-Linked Classification Criteria (2023). Collection method: clinical testing. Allele origin: unknown.
Comment: This variant is considered likely benign. This variant is intronic and is not expected to impact mRNA splicing.

NM_000455.5(STK11):c.465-18G>C

Gene: STK11 (serine/threonine kinase 11; plus strand). Cytogenetic location: 19p13.3.
Variant type: single nucleotide variant.
Coding change: c.465-18G>C on transcript NM_000455.5 (MANE Select); 18 bases into the intron before coding-DNA position 465, G replaced by C.
Molecular consequence: intron variant.
Genome position (GRCh38, 1-based): chr19:1,220,355, G>C. VCF-style: chr19-1220355-G-C. GRCh37 (hg19) VCF-style: chr19-1220354-G-C.
Other names: c.465-18G>C (NM_001407255.1).
Identifiers: ClinVar variation 3904318 (VCV003904318.1).